The following is an entry in ClinVar:

NM_002470.4(MYH3):c.749G>A (p.Arg250Gln)

Gene: MYH3 (myosin heavy chain 3; minus strand). Cytogenetic location: 17p13.1.
Variant type: single nucleotide variant.
Coding change: c.749G>A on transcript NM_002470.4 (MANE Select); coding-DNA position 749, G replaced by A.
Protein change: p.Arg250Gln; replaces arginine 250 with glutamine.
Molecular consequence: missense variant.
Genome position (GRCh38, 1-based): chr17:10,647,413, C>T on the plus strand (G>A on the coding strand, the complement: MYH3 is on the minus strand). VCF-style: chr17-10647413-C-T. GRCh37 (hg19) VCF-style: chr17-10550730-C-T.
Other names: short protein forms R250Q.
Identifiers: ClinVar variation 1428406 (VCV001428406.6), dbSNP rs775849117, ClinGen allele CA8393164.

ClinVar aggregate classification (germline): Uncertain significance (1 of 4 stars; one submission).

Allele frequency attached by ClinVar (database versions not stated): gnomAD 0.00002; gnomAD exomes 0.00003; TOPMed 0.00003; ExAC 0.00004.
gnomAD v4.1: 46 of 1,614,098 alleles (0.0028%); highest among the groups gnomAD compares: Admixed American, 0.017%; no homozygotes.

Submission:

Labcorp Genetics (formerly Invitae), Labcorp
Classification: Uncertain significance. Last evaluated: 2025-09-02. Review status: criteria provided, single submitter. Criteria: Invitae Variant Classification Sherloc (09022015). Collection method: clinical testing. Allele origin: germline.
Comment: This sequence change replaces arginine, which is basic and polar, with glutamine, which is neutral and polar, at codon 250 of the MYH3 protein (p.Arg250Gln). This variant is present in population databases (rs775849117, gnomAD 0.006%). This variant has not been reported in the literature in individuals affected with MYH3-related conditions. ClinVar contains an entry for this variant (Variation ID: 1428406). Invitae Evidence Modeling of protein sequence and biophysical properties (such as structural, functional, and spatial information, amino acid conservation, physicochemical variation, residue mobility, and thermodynamic stability) has been performed for this missense variant. However, the output from this modeling did not meet the statistical confidence thresholds required to predict the impact of this variant on MYH3 protein function. Algorithms developed to predict the effect of sequence changes on RNA splicing suggest that this variant may disrupt the consensus splice site. In summary, the available evidence is currently insufficient to determine the role of this variant in disease. Therefore, it has been classified as a Variant of Uncertain Significance.